The following is an entry in ClinVar:

ClinVar aggregate classification (germline): Uncertain significance (1 of 4 stars; one submission).

Conditions:
Hereditary cancer-predisposing syndrome. Also called: Tumor predisposition; Hereditary neoplastic syndrome; Neoplastic Syndromes, Hereditary; Hereditary Cancer Syndrome. Identifiers: Orphanet 140162, MedGen C0027672, MeSH D009386, MONDO:0015356.

Submission:

Ambry Genetics
Classification: Uncertain significance for Hereditary cancer-predisposing syndrome. Last evaluated: 2025-04-03. Review status: criteria provided, single submitter. Criteria: Ambry Variant Classification Scheme 2023. Collection method: clinical testing. Allele origin: germline.
Comment: The p.K231E variant (also known as c.691A>G), located in coding exon 5 of the DICER1 gene, results from an A to G substitution at nucleotide position 691. The lysine at codon 231 is replaced by glutamic acid, an amino acid with similar properties. This amino acid position is conserved. In addition, this alteration is predicted to be tolerated by in silico analysis. Based on the available evidence, the clinical significance of this variant remains unclear.

NM_177438.3(DICER1):c.691A>G (p.Lys231Glu)

Gene: DICER1 (dicer 1, ribonuclease III; minus strand). Cytogenetic location: 14q32.13.
Variant type: single nucleotide variant.
Coding change: c.691A>G on transcript NM_177438.3 (MANE Select); coding-DNA position 691, A replaced by G.
Protein change: p.Lys231Glu; replaces lysine 231 with glutamic acid.
Molecular consequence: missense variant. On other transcripts: 5 prime UTR variant (1), non-coding transcript variant (6).
Genome position (GRCh38, 1-based): chr14:95,129,515, T>C on the plus strand (A>G on the coding strand, the complement: DICER1 is on the minus strand). VCF-style: chr14-95129515-T-C. GRCh37 (hg19) VCF-style: chr14-95595852-T-C.
Other names: c.691A>G, p.Lys231Glu (NM_001395680.1, NM_001395682.1, NM_001395683.1 and 14 more transcripts); c.409A>G, p.Lys137Glu (NM_001395686.1); c.286A>G, p.Lys96Glu (NM_001395687.1, NM_001395688.1, NM_001395689.1 and 3 more transcripts); c.124A>G, p.Lys42Glu (NM_001395691.1); c.-878A>G (NM_001395697.1); short protein forms K42E, K96E, K137E, K231E.
Identifiers: ClinVar variation 4011608 (VCV004011608.1).